The following is an entry in ClinVar:

NM_006950.3(SYN1):c.581G>A (p.Arg194His)

Gene: SYN1 (synapsin I; minus strand). Cytogenetic location: Xp11.23.
Variant type: single nucleotide variant.
Coding change: c.581G>A on transcript NM_006950.3 (MANE Select); coding-DNA position 581, G replaced by A.
Protein change: p.Arg194His; replaces arginine 194 with histidine.
Molecular consequence: missense variant.
Genome position (GRCh38, 1-based): chrX:47,605,326, C>T on the plus strand (G>A on the coding strand, the complement: SYN1 is on the minus strand). VCF-style: chrX-47605326-C-T. GRCh37 (hg19) VCF-style: chrX-47464725-C-T.
Other names: c.581G>A, p.Arg194His (NM_133499.2); short protein forms R194H.
Identifiers: ClinVar variation 583069 (VCV000583069.9), dbSNP rs373152478, ClinGen allele CA10398701.
Genomic context (GRCh38, chrX:47,605,326, plus strand): 5'-TTAACACTGGGGATTCCAGCATACTGCAGCCCAATGACCAAACTGCGGTAGTCTCCGTTG[C>T]GTGCCATGCTGAAGGCGTGCTGGCGGATCAGCACAAAATCCGGCTTCAGAGACCTAGTGT-3'
Protein context (NP_008881.2, residues 184-204): LIRQHAFSMA[Arg194His]NGDYRSLVIG

ClinVar aggregate classification (germline): Uncertain significance (1 of 4 stars; one submission).

Conditions:
Epilepsy, X-linked 1, with variable learning disabilities and behavior disorders. Also called: X-linked epilepsy-learning disabilities-behavior disorders syndrome. Identifiers: Orphanet 85294, MedGen C5774177, MONDO:0010339, OMIM 300491.

Allele frequency attached by ClinVar (database versions not stated): gnomAD exomes 0.00002.

Submission:

Labcorp Genetics (formerly Invitae), Labcorp
Classification: Uncertain significance for Epilepsy, X-linked 1, with variable learning disabilities and behavior disorders. Last evaluated: 2022-11-29. Review status: criteria provided, single submitter. Criteria: Invitae Variant Classification Sherloc (09022015). Collection method: clinical testing. Allele origin: germline.
Comment: This sequence change replaces arginine, which is basic and polar, with histidine, which is basic and polar, at codon 194 of the SYN1 protein (p.Arg194His). The frequency data for this variant in the population databases is considered unreliable, as metrics indicate poor data quality at this position in the gnomAD database. This variant has not been reported in the literature in individuals affected with SYN1-related conditions. ClinVar contains an entry for this variant (Variation ID: 583069). Algorithms developed to predict the effect of missense changes on protein structure and function are either unavailable or do not agree on the potential impact of this missense change (SIFT: "Deleterious"; PolyPhen-2: "Possibly Damaging"; Align-GVGD: "Class C0"). In summary, the available evidence is currently insufficient to determine the role of this variant in disease. Therefore, it has been classified as a Variant of Uncertain Significance.